The following is an entry in ClinVar:

ClinVar aggregate classification (germline): Conflicting classifications of pathogenicity. Review status: criteria provided, conflicting classifications (1 of 4 stars). 6 submissions from 6 submitters: Uncertain significance (5); Likely benign (1). Last evaluated 2025-12-26.

Conditions:
ZNF469-related disorder. Also called: ZNF469-related condition.
Cardiovascular phenotype. Identifiers: MedGen CN230736.

Allele frequency attached by ClinVar (database versions not stated): ExAC below 0.00001; gnomAD 0.00011; gnomAD exomes 0.00014; TOPMed 0.00014.
gnomAD v4.1: 191 of 1,550,222 alleles (0.012%); highest among the groups gnomAD compares: East Asian, 0.02%; no homozygotes.

Submissions (6):

Women's Health and Genetics/Laboratory Corporation of America, LabCorp
Classification: Uncertain significance. Last evaluated: 2025-12-26. Review status: criteria provided, single submitter. Criteria: LabCorp Variant Classification Summary - May 2015. Collection method: clinical testing. Allele origin: germline.
Comment: Variant summary: ZNF469 c.5707C>T (p.Arg1903Cys) results in a non-conservative amino acid change in the encoded protein sequence. Algorithms developed to predict the effect of missense changes on protein structure and function are either unavailable or do not agree on the potential impact of this missense change. The variant allele was found at a frequency of 0.00012 in 1543296 control chromosomes. This frequency is not significantly higher than estimated for disease-causing variants in ZNF469, allowing no conclusion about variant significance. To our knowledge, no occurrence of c.5707C>T in individuals affected with ZNF469-related conditions and no experimental evidence demonstrating its impact on protein function have been reported. The variant has been reported in an individual affected with spontaneous coronary artery dissection (Wolf_2024), and authors of this study proposed a possible novel phenotype association for the gene, however this requires further investigation. The following publication have been ascertained in the context of this evaluation (PMID: 39769491). ClinVar contains an entry for this variant (Variation ID: 320945). Based on the evidence outlined above, the variant was classified as uncertain significance.

PreventionGenetics, part of Exact Sciences
Classification: Uncertain significance for ZNF469-related condition. Last evaluated: 2025-08-27. Review status: criteria provided, single submitter. Criteria: ACMG Guidelines, 2015. Collection method: clinical testing. Allele origin: germline.
Comment: The ZNF469 c.5623C>T variant is predicted to result in the amino acid substitution p.Arg1875Cys. This variant has been reported in a patient with spontaneous coronary artery dissection (Wolf and Hong. 2024. PubMed ID: 39769491). This variant is reported in 0.096% of alleles in individuals of East Asian descent in gnomAD. At this time, the clinical significance of this variant is uncertain due to the absence of conclusive functional and genetic evidence.

Labcorp Genetics (formerly Invitae), Labcorp
Classification: Uncertain significance. Last evaluated: 2024-12-18. Review status: criteria provided, single submitter. Criteria: Invitae Variant Classification Sherloc (09022015). Collection method: clinical testing. Allele origin: germline.
Comment: This sequence change replaces arginine, which is basic and polar, with cysteine, which is neutral and slightly polar, at codon 1875 of the ZNF469 protein (p.Arg1875Cys). This variant is present in population databases (rs757657013, gnomAD 0.09%). This variant has not been reported in the literature in individuals affected with ZNF469-related conditions. ClinVar contains an entry for this variant (Variation ID: 320945). An algorithm developed to predict the effect of missense changes on protein structure and function outputs the following: PolyPhen-2: "Benign". The cysteine amino acid residue is found in multiple mammalian species, which suggests that this missense change does not adversely affect protein function. In summary, the available evidence is currently insufficient to determine the role of this variant in disease. Therefore, it has been classified as a Variant of Uncertain Significance.

Blueprint Genetics
Classification: Uncertain significance. Last evaluated: 2024-09-11. Review status: criteria provided, single submitter. Criteria: ACMG Guidelines, 2015. Collection method: clinical testing. Allele origin: germline.

Ambry Genetics
Classification: Likely benign for Cardiovascular phenotype. Last evaluated: 2021-10-29. Review status: criteria provided, single submitter. Criteria: Ambry Variant Classification Scheme 2023. Collection method: clinical testing. Allele origin: germline.

GeneDx
Classification: Uncertain significance. Last evaluated: 2020-10-15. Review status: criteria provided, single submitter. Criteria: GeneDx Variant Classification Process June 2021. Collection method: clinical testing. Allele origin: germline. Affected: yes.
Comment: In silico analysis supports that this missense variant does not alter protein structure/function; Has not been previously published as pathogenic or benign to our knowledge

Literature cited by the submitters: PubMed 39769491 (cited by Women's Health and Genetics/Laboratory Corporation of America, LabCorp).

NM_001367624.2(ZNF469):c.5707C>T (p.Arg1903Cys)

Gene: ZNF469 (zinc finger protein 469; plus strand). Cytogenetic location: 16q24.2.
Variant type: single nucleotide variant.
Coding change: c.5707C>T on transcript NM_001367624.2 (MANE Select); coding-DNA position 5707, C replaced by T.
Protein change: p.Arg1903Cys; replaces arginine 1903 with cysteine.
Molecular consequence: missense variant.
Genome position (GRCh38, 1-based): chr16:88,433,177, C>T. VCF-style: chr16-88433177-C-T. GRCh37 (hg19) VCF-style: chr16-88499585-C-T.
Other names: NM_001127464.1:c.5623C>T; NM_001127464.2:c.5623C>T; short protein forms R1903C.
Identifiers: ClinVar variation 320945 (VCV000320945.17), dbSNP rs757657013, ClinGen allele CA8225101.
Genomic context (GRCh38, chr16:88,433,177, plus strand): 5'-TGTGTATCCAACACCCACCCTAGCAGGAGGTCCCAGGACCCAGCTTTGAGCCCCCCCATA[C>T]GTCAGCTCCAGCTCCCAGGGCCTGGAGTGGCTAAGAGTAAAGATGGCATCCTGGGCTTGC-3'
Protein context (NP_001354553.1, residues 1893-1913): SQDPALSPPI[Arg1903Cys]QLQLPGPGVA